The following is an entry in ClinVar:

ClinVar aggregate classification (germline): Conflicting classifications of pathogenicity. Review status: criteria provided, conflicting classifications (1 of 4 stars). 2 submissions from 2 submitters: Uncertain significance (1); Likely benign (1). Last evaluated 2025-12-30.

Conditions:
Hereditary cancer-predisposing syndrome. Also called: Tumor predisposition; Hereditary Cancer Syndrome; Hereditary neoplastic syndrome; Neoplastic Syndromes, Hereditary. Identifiers: Orphanet 140162, MedGen C0027672, MeSH D009386, MONDO:0015356.
Familial cancer of breast. Also called: BREAST CANCER, FAMILIAL; hereditary breast carcinoma; Hereditary breast cancer. Identifiers: Orphanet 227535, MedGen C0346153, MONDO:0016419, OMIM 114480. Disease mechanism: loss of function.

Allele frequency attached by ClinVar (database versions not stated): TOPMed below 0.00001.

Submissions (2):

Ambry Genetics
Classification: Likely benign for Hereditary cancer-predisposing syndrome. Last evaluated: 2025-12-30. Review status: criteria provided, single submitter. Criteria: Ambry Variant Classification Scheme 2023. Collection method: clinical testing. Allele origin: germline.

Labcorp Genetics (formerly Invitae), Labcorp
Classification: Uncertain significance for Familial cancer of breast. Last evaluated: 2023-05-25. Review status: criteria provided, single submitter. Criteria: Invitae Variant Classification Sherloc (09022015). Collection method: clinical testing. Allele origin: germline.
Comment: In summary, the available evidence is currently insufficient to determine the role of this variant in disease. Therefore, it has been classified as a Variant of Uncertain Significance. An algorithm developed to predict the effect of missense changes on protein structure and function (PolyPhen-2) suggests that this variant is likely to be tolerated. ClinVar contains an entry for this variant (Variation ID: 1793353). This variant has not been reported in the literature in individuals affected with PALB2-related conditions. This variant is not present in population databases (gnomAD no frequency). This sequence change replaces threonine, which is neutral and polar, with isoleucine, which is neutral and non-polar, at codon 86 of the PALB2 protein (p.Thr86Ile).

NM_024675.4(PALB2):c.257C>T (p.Thr86Ile)

Gene: PALB2 (partner and localizer of BRCA2; minus strand). Cytogenetic location: 16p12.2.
Variant type: single nucleotide variant.
Coding change: c.257C>T on transcript NM_024675.4 (MANE Select); coding-DNA position 257, C replaced by T.
Protein change: p.Thr86Ile; replaces threonine 86 with isoleucine.
Molecular consequence: missense variant.
Genome position (GRCh38, 1-based): chr16:23,636,289, G>A on the plus strand (C>T on the coding strand, the complement: PALB2 is on the minus strand). VCF-style: chr16-23636289-G-A. GRCh37 (hg19) VCF-style: chr16-23647610-G-A.
Other names: c.197C>T, p.Thr66Ile (NM_001407296.1); c.257C>T, p.Thr86Ile (NM_001407297.1, NM_001407298.1, NM_001407299.1 and 3 more transcripts); c.-629C>T (NM_001407304.1, NM_001407305.1, NM_001407306.1 and 5 more transcripts); short protein forms T86I, T66I.
Identifiers: ClinVar variation 1793353 (VCV001793353.6), dbSNP rs1967059270, ClinGen allele CA395138888.
Genomic context (GRCh38, chr16:23,636,289, plus strand): 5'-GACTCAGGCCCAACATCAAGTGTGATAGATGTCTTTTCTCCAGTTTCTTCATCAAGATGG[G>A]TTTTGATGTGTAACTTGTCATAAACACATATTTTATTTTTAGGTTCTGAGGAGGAAAAAA-3'
Protein context (NP_078951.2, residues 76-96): ICVYDKLHIK[Thr86Ile]HLDEETGEKT